The following is an entry in ClinVar:

ClinVar aggregate classification (germline): Pathogenic (1 of 4 stars; one submission).

Submission:

Labcorp Genetics (formerly Invitae), Labcorp
Classification: Pathogenic. Last evaluated: 2022-03-08. Review status: criteria provided, single submitter. Criteria: Invitae Variant Classification Sherloc (09022015). Collection method: clinical testing. Allele origin: germline.
Comment: This sequence change creates a premature translational stop signal (p.Trp153Glyfs*2) in the USH2A gene. It is expected to result in an absent or disrupted protein product. Loss-of-function variants in USH2A are known to be pathogenic (PMID: 10729113, 10909849, 20507924, 25649381). For these reasons, this variant has been classified as Pathogenic. Algorithms developed to predict the effect of sequence changes on RNA splicing suggest that this variant may disrupt the consensus splice site. This variant has not been reported in the literature in individuals affected with USH2A-related conditions. This variant is not present in population databases (gnomAD no frequency).

Literature cited by the submitters: PubMed 10729113; PubMed 10909849; PubMed 20507924; PubMed 25649381.

NM_206933.4(USH2A):c.456_457insGGCTAAA (p.Trp153delinsGlyTer)

Gene: USH2A (usherin; minus strand). Cytogenetic location: 1q41.
Variant type: Insertion.
Coding change: c.456_457insGGCTAAA on transcript NM_206933.4 (MANE Select); coding-DNA positions 456 to 457, GGCTAAA inserted.
Protein change: p.Trp153delinsGlyTer.
Molecular consequence: nonsense.
Genome position: GRCh38 VCF-style: chr1-216421880-A-ATTTAGCC. GRCh37 (hg19) VCF-style: chr1-216595222-A-ATTTAGCC.
Other names: c.456_457insGGCTAAA, p.Trp153delinsGlyTer (NM_007123.6).
Identifiers: ClinVar variation 1459817 (VCV001459817.6), dbSNP rs2102788229, ClinGen allele CA2573132659.
Genomic context (GRCh38, chr1:216,421,880, plus strand): 5'-CTATGAAAGCTTATACCTACACTACTACTTACATTACACCTTGTTGCTCAGGTTTCAGCC[A>ATTTAGCC]TACAGCTAAGGTAAATGATGCCATCAGCTTTGGAGAAGGAGGAGAAGAAAAGCAGCTCTT-3'